The following is an entry in ClinVar:

ClinVar aggregate classification (germline): Uncertain significance. Review status: criteria provided, multiple submitters, no conflicts (2 of 4 stars). 2 submissions from 2 submitters: Uncertain significance (2). Last evaluated 2025-07-30.

Conditions:
Juvenile polyposis syndrome (JPS). Identifiers: Orphanet 2929, MedGen C0345893, MONDO:0017380, OMIM 174900.
Hereditary cancer-predisposing syndrome. Also called: Neoplastic Syndromes, Hereditary; Hereditary Cancer Syndrome; Hereditary neoplastic syndrome; Tumor predisposition. Identifiers: Orphanet 140162, MedGen C0027672, MeSH D009386, MONDO:0015356.

Submissions (2):

Labcorp Genetics (formerly Invitae), Labcorp
Classification: Uncertain significance for Juvenile polyposis syndrome. Last evaluated: 2025-07-30. Review status: criteria provided, single submitter. Criteria: Invitae Variant Classification Sherloc (09022015). Collection method: clinical testing. Allele origin: germline.
Comment: This sequence change replaces glutamine, which is neutral and polar, with glutamic acid, which is acidic and polar, at codon 22 of the BMPR1A protein (p.Gln22Glu). This variant is not present in population databases (gnomAD no frequency). This variant has not been reported in the literature in individuals affected with BMPR1A-related conditions. ClinVar contains an entry for this variant (Variation ID: 826449). Invitae Evidence Modeling of protein sequence and biophysical properties (such as structural, functional, and spatial information, amino acid conservation, physicochemical variation, residue mobility, and thermodynamic stability) indicates that this missense variant is not expected to disrupt BMPR1A protein function with a negative predictive value of 95%. In summary, the available evidence is currently insufficient to determine the role of this variant in disease. Therefore, it has been classified as a Variant of Uncertain Significance.

Ambry Genetics
Classification: Uncertain significance for Hereditary cancer-predisposing syndrome. Last evaluated: 2023-01-05. Review status: criteria provided, single submitter. Criteria: Ambry Variant Classification Scheme 2023. Collection method: clinical testing. Allele origin: germline.
Comment: The p.Q22E variant (also known as c.64C>G), located in coding exon 1 of the BMPR1A gene, results from a C to G substitution at nucleotide position 64. The glutamine at codon 22 is replaced by glutamic acid, an amino acid with highly similar properties. This amino acid position is well conserved in available vertebrate species; however, glutamic acid is the reference amino acid in other vertebrate species. In addition, this alteration is predicted to be tolerated by in silico analysis. Since supporting evidence is limited at this time, the clinical significance of this alteration remains unclear.

NM_004329.3(BMPR1A):c.64C>G (p.Gln22Glu)

Gene: BMPR1A (bone morphogenetic protein receptor type 1A; plus strand). Cytogenetic location: 10q23.2.
Variant type: single nucleotide variant.
Coding change: c.64C>G on transcript NM_004329.3 (MANE Select); coding-DNA position 64, C replaced by G.
Protein change: p.Gln22Glu; replaces glutamine 22 with glutamic acid.
Molecular consequence: missense variant.
Genome position (GRCh38, 1-based): chr10:86,876,082, C>G. VCF-style: chr10-86876082-C-G. GRCh37 (hg19) VCF-style: chr10-88635839-C-G.
Other names: short protein forms Q22E.
Identifiers: ClinVar variation 826449 (VCV000826449.14), dbSNP rs1554886821, ClinGen allele CA377774870.